The following is an entry in ClinVar:

NM_000163.5(GHR):c.686G>A (p.Arg229His)

Gene: GHR (growth hormone receptor; plus strand). Cytogenetic location: 5p12.
Variant type: single nucleotide variant.
Coding change: c.686G>A on transcript NM_000163.5 (MANE Select); coding-DNA position 686, G replaced by A.
Protein change: p.Arg229His; replaces arginine 229 with histidine.
Molecular consequence: missense variant.
Genome position (GRCh38, 1-based): chr5:42,711,274, G>A. VCF-style: chr5-42711274-G-A. GRCh37 (hg19) VCF-style: chr5-42711376-G-A.
Other names: c.686G>A, p.Arg229His (NM_001242462.1, NM_001242400.2, NM_001242401.4 and 5 more transcripts); c.707G>A, p.Arg236His (NM_001242399.2); c.620G>A, p.Arg207His (NM_001242460.2); short protein forms R229H, R236H, R207H.
Identifiers: ClinVar variation 281656 (VCV000281656.31), dbSNP rs6177, ClinGen allele CA3254474.

ClinVar aggregate classification (germline): Conflicting classifications of pathogenicity. Review status: criteria provided, conflicting classifications (1 of 4 stars). 7 submissions from 7 submitters: Uncertain significance (4); Benign (1); Likely benign (2). Last evaluated 2026-02-02.

Conditions:
Laron-type isolated somatotropin defect. Also called: GROWTH HORMONE RECEPTOR DEFICIENCY; Growth hormone binding protein deficiency or dysfunction; Growth hormone receptor deficiency or dysfunction; Laron dwarfism; Laron type pituitary dwarfism I; Laron Syndrome. Identifiers: Orphanet 633, MedGen C0271568, MONDO:0009877, OMIM 262500.
Short stature due to partial GHR deficiency. Also called: GROWTH HORMONE INSENSITIVITY, PARTIAL; GROWTH HORMONE DEFICIENCY, ISOLATED PARTIAL; Growth hormone, insensitivity to, partial. Identifiers: Orphanet 314802, Orphanet 314811, MedGen C1858656, MONDO:0011420, OMIM 604271.

Allele frequency attached by ClinVar (database versions not stated): gnomAD 0.00073 and 0.00078; 1000 Genomes Project 30x 0.00078; 1000 Genomes Project 0.00080; TOPMed 0.00095; ESP Exome Variant Server 0.00108.
gnomAD v4.1: 1,360 of 1,612,192 alleles (0.084%); highest among the groups gnomAD compares: Middle Eastern, 0.81%; 10 homozygotes.

Submissions (8):

Labcorp Genetics (formerly Invitae), Labcorp
Classification: Benign. Last evaluated: 2026-02-02. Review status: criteria provided, single submitter. Criteria: Invitae Variant Classification Sherloc (09022015). Collection method: clinical testing. Allele origin: germline.

CeGaT Center for Human Genetics Tuebingen
Classification: Likely benign. Last evaluated: 2025-07-01. Review status: criteria provided, single submitter. Criteria: CeGaT Center For Human Genetics Tuebingen Variant Classification Criteria Version 2. Collection method: clinical testing. Allele origin: germline. Affected: yes. Observed: 1 variant allele.
Comment: GHR: PM5, BS2

Blueprint Genetics
Classification: Uncertain significance. Last evaluated: 2024-11-22. Review status: criteria provided, single submitter. Criteria: ACMG Guidelines, 2015. Collection method: clinical testing. Allele origin: germline.

GeneDx
Classification: Likely benign. Last evaluated: 2017-12-15. Review status: criteria provided, single submitter. Criteria: GeneDx Variant Classification (06012015). Collection method: clinical testing. Allele origin: germline. Affected: yes.
Comment: This variant is considered likely benign or benign based on one or more of the following criteria: it is a conservative change, it occurs at a poorly conserved position in the protein, it is predicted to be benign by multiple in silico algorithms, and/or has population frequency not consistent with disease.

Mayo Clinic Laboratories, Mayo Clinic
Classification: Uncertain significance for Short stature due to partial GHR deficiency. Last evaluated: 2017-09-13. Review status: criteria provided, single submitter. Criteria: ACMG Guidelines, 2015. Collection method: clinical testing. Allele origin: paternal.

Illumina Laboratory Services, Illumina
Classification: Uncertain significance for Laron-type isolated somatotropin defect. Last evaluated: 2017-04-27. Review status: criteria provided, single submitter. Criteria: ICSL Variant Classification Criteria 13 December 2019. Collection method: clinical testing. Allele origin: germline.
Comment: This variant was observed as part of a predisposition screen in an ostensibly healthy population. A literature search was performed for the gene, cDNA change, and amino acid change (where applicable). Publications were found based on this search. However, the evidence from the literature, in combination with allele frequency data from public databases where available, was not sufficient to rule this variant in or out of causing disease. Therefore, this variant is classified as a variant of unknown significance.

Eurofins Ntd Llc (ga)
Classification: Uncertain significance. Last evaluated: 2016-11-29. Review status: criteria provided, single submitter. Criteria: EGL Classification Definitions 2015. Collection method: clinical testing. Allele origin: germline. Observed: 2 variant alleles, 1 heterozygote, 1 homozygote.

Dr. Peter K. Rogan Lab, Western University
No classification provided (evidence only). Condition: Hepatocellular carcinoma. Review status: no classification provided. Collection method: in vitro. Allele origin: not applicable. Functional consequence: retained intron. Not counted in ClinVar's aggregate classification.

Literature cited by the submitters: PubMed 7565946 (cited by Illumina Laboratory Services, Illumina and Eurofins Ntd Llc (ga)); PubMed 21846964 (cited by Eurofins Ntd Llc (ga)); PubMed 21900382 (cited by Eurofins Ntd Llc (ga)).